The following is an entry in ClinVar:

NM_020778.5(ALPK3):c.2237dup (p.Pro747fs)

Gene: ALPK3 (alpha kinase 3; plus strand). Cytogenetic location: 15q25.3.
Variant type: Duplication.
Coding change: c.2237dup on transcript NM_020778.5 (MANE Select); coding-DNA position 2237, one base duplicated (G; older notation c.2237dupG).
Protein change: p.Pro747fs; shifts the reading frame from proline 747.
Molecular consequence: frameshift variant.
Genome position (GRCh38, 1-based): chr15:84,856,975, G duplicated; the last of 3 consecutive G bases (chr15:84,856,973-84,856,975); duplicating any one gives the same sequence. VCF-style (leftmost placement, unchanged base first): chr15-84856972-C-CG. GRCh37 (hg19) VCF-style: chr15-85400203-C-CG.
Other names: short protein forms P747fs.
Identifiers: ClinVar variation 3642927 (VCV003642927.2).

ClinVar aggregate classification (germline): Pathogenic (1 of 4 stars; one submission).

Submission:

Labcorp Genetics (formerly Invitae), Labcorp
Classification: Pathogenic. Last evaluated: 2024-02-23. Review status: criteria provided, single submitter. Criteria: Invitae Variant Classification Sherloc (09022015). Collection method: clinical testing. Allele origin: germline.
Comment: This sequence change creates a premature translational stop signal (p.Pro949Serfs*2) in the ALPK3 gene. It is expected to result in an absent or disrupted protein product. Loss-of-function variants in ALPK3 are known to be pathogenic (PMID: 21441111, 26846950, 27106955, 34263907). This variant is not present in population databases (gnomAD no frequency). This variant has not been reported in the literature in individuals affected with ALPK3-related conditions. For these reasons, this variant has been classified as Pathogenic.

Literature cited by the submitters: PubMed 21441111; PubMed 26846950; PubMed 27106955; PubMed 34263907.